The following is an entry in ClinVar:

ClinVar aggregate classification (germline): Likely benign. Review status: criteria provided, multiple submitters, no conflicts (2 of 4 stars). 4 submissions from 4 submitters: Likely benign (4). Last evaluated 2025-09-25.

Allele frequency attached by ClinVar (database versions not stated): gnomAD exomes 0.00023 and 0.00027; ExAC 0.00029; 1000 Genomes Project 30x 0.00062; 1000 Genomes Project 0.00080; gnomAD 0.00090 and 0.00095; TOPMed 0.00093; ESP Exome Variant Server 0.00096.
gnomAD v4.1: 478 of 1,613,476 alleles (0.03%); highest among the groups gnomAD compares: African/African-American, 0.27%; no homozygotes.

Submissions (4):

Labcorp Genetics (formerly Invitae), Labcorp
Classification: Likely benign. Last evaluated: 2025-09-25. Review status: criteria provided, single submitter. Criteria: Invitae Variant Classification Sherloc (09022015). Collection method: clinical testing. Allele origin: germline.

Mayo Clinic Laboratories, Mayo Clinic
Classification: Likely benign. Last evaluated: 2025-08-27. Review status: criteria provided, single submitter. Criteria: ACMG Guidelines, 2015. Collection method: clinical testing. Allele origin: germline. Observed: 2 variant alleles.
Comment: BS1, BP4, BP7

Women's Health and Genetics/Laboratory Corporation of America, LabCorp
Classification: Likely benign. Last evaluated: 2025-06-26. Review status: criteria provided, single submitter. Criteria: LabCorp Variant Classification Summary - May 2015. Collection method: clinical testing. Allele origin: germline.

Blueprint Genetics
Classification: Likely benign. Last evaluated: 2024-03-08. Review status: criteria provided, single submitter. Criteria: ACMG Guidelines, 2015. Collection method: clinical testing. Allele origin: germline.

NM_002972.4(SBF1):c.5289C>T (p.Ser1763=)

Gene: SBF1 (SET binding factor 1; minus strand). Cytogenetic location: 22q13.33.
Variant type: single nucleotide variant.
Coding change: c.5289C>T on transcript NM_002972.4 (MANE Select); coding-DNA position 5289, C replaced by T.
Protein change: p.Ser1763=; no amino-acid change (serine 1763 retained).
Molecular consequence: synonymous variant.
Genome position (GRCh38, 1-based): chr22:50,448,307, G>A on the plus strand (C>T on the coding strand, the complement: SBF1 is on the minus strand). VCF-style: chr22-50448307-G-A. GRCh37 (hg19) VCF-style: chr22-50886736-G-A.
Other names: p.Ser1763=; c.5214C>T, p.Ser1738= (NM_001365819.1).
Identifiers: ClinVar variation 729226 (VCV000729226.12), dbSNP rs373848053, ClinGen allele CA10315909.